The following is an entry in ClinVar:

ClinVar aggregate classification (germline): Uncertain significance (1 of 4 stars; one submission).

Conditions:
Developmental and epileptic encephalopathy, 9 (DEE9). Also called: JUBERG-HELLMAN SYNDROME; PCDH19-Related X-Linked Female-Limited Epilepsy with Mental Retardation; Early infantile epileptic encephalopathy 9; EPILEPSY, FEMALE-RESTRICTED, WITH MENTAL RETARDATION. Identifiers: Orphanet 101039, Orphanet 2076, MedGen C1848137, MONDO:0010246, OMIM 300088. Disease mechanism: loss of function.

Allele frequency attached by ClinVar (database versions not stated): TOPMed 0.00001.
gnomAD v4.1: 2 of 1,210,022 alleles (0.00017%); highest among the groups gnomAD compares: African/African-American, 0.0017%; no homozygotes.

Submission:

Labcorp Genetics (formerly Invitae), Labcorp
Classification: Uncertain significance for Developmental and epileptic encephalopathy, 9. Last evaluated: 2024-05-08. Review status: criteria provided, single submitter. Criteria: Invitae Variant Classification Sherloc (09022015). Collection method: clinical testing. Allele origin: germline.
Comment: This sequence change replaces alanine, which is neutral and non-polar, with glycine, which is neutral and non-polar, at codon 573 of the PCDH19 protein (p.Ala573Gly). This variant is not present in population databases (gnomAD no frequency). This variant has not been reported in the literature in individuals affected with PCDH19-related conditions. Advanced modeling of protein sequence and biophysical properties (such as structural, functional, and spatial information, amino acid conservation, physicochemical variation, residue mobility, and thermodynamic stability) has been performed at Invitae for this missense variant, however the output from this modeling did not meet the statistical confidence thresholds required to predict the impact of this variant on PCDH19 protein function. In summary, the available evidence is currently insufficient to determine the role of this variant in disease. Therefore, it has been classified as a Variant of Uncertain Significance.

NM_001184880.2(PCDH19):c.1718C>G (p.Ala573Gly)

Gene: PCDH19 (protocadherin 19; minus strand). Cytogenetic location: Xq22.1.
Variant type: single nucleotide variant.
Coding change: c.1718C>G on transcript NM_001184880.2 (MANE Select); coding-DNA position 1718, C replaced by G.
Protein change: p.Ala573Gly; replaces alanine 573 with glycine.
Molecular consequence: missense variant.
Genome position (GRCh38, 1-based): chrX:100,406,880, G>C on the plus strand (C>G on the coding strand, the complement: PCDH19 is on the minus strand). VCF-style: chrX-100406880-G-C. GRCh37 (hg19) VCF-style: chrX-99661878-G-C.
Other names: c.1718C>G, p.Ala573Gly (NM_001105243.2, NM_020766.3); short protein forms A573G.
Identifiers: ClinVar variation 2920090 (VCV002920090.3), dbSNP rs1475073138, ClinGen allele CA414002123.
Genomic context (GRCh38, chrX:100,406,880, plus strand): 5'-TCTGCCTTGACAACAGTCACCAGGTAGCCTATGCCAGAGTTGCGGGGTATGTAGACCTCG[G>C]CAGTGCCGTTAATCAGAGGTGGGGCTGTGATGACCGGGGTGTTGTCGTTGACGTCGAGGA-3'
Protein context (NP_001171809.1, residues 563-583): ITAPPLINGT[Ala573Gly]EVYIPRNSGI